The following is an entry in ClinVar:

NM_006031.6(PCNT):c.2045C>T (p.Ser682Leu)

Gene: PCNT (pericentrin; plus strand). Cytogenetic location: 21q22.3.
Variant type: single nucleotide variant.
Coding change: c.2045C>T on transcript NM_006031.6 (MANE Select); coding-DNA position 2045, C replaced by T.
Protein change: p.Ser682Leu; replaces serine 682 with leucine.
Molecular consequence: missense variant.
Genome position (GRCh38, 1-based): chr21:46,357,082, C>T. VCF-style: chr21-46357082-C-T. GRCh37 (hg19) VCF-style: chr21-47776997-C-T.
Other names: c.1691C>T, p.Ser564Leu (NM_001315529.2); short protein forms S564L, S682L.
Identifiers: ClinVar variation 4996436 (VCV004996436.1).
Genomic context (GRCh38, chr21:46,357,082, plus strand): 5'-CCGACACAGAGCGGGCAGCCAGAGTCTTGGGTCTGGAAACTGAGCACAAGGTGCAACTTT[C>T]GCTTCTTCAGACTGAGCTCAAAGAAGAAATTGAACTCCTAAAAATAGAAAATAGAAATTT-3'
Protein context (NP_006022.3, residues 672-692): GLETEHKVQL[Ser682Leu]LLQTELKEEI

ClinVar aggregate classification (germline): Uncertain significance (1 of 4 stars; one submission).

Conditions:
PCNT-related disorder. Also called: PCNT-related condition.

gnomAD v4.1: 54 of 1,613,740 alleles (0.0033%); highest among the groups gnomAD compares: African/African-American, 0.016%; no homozygotes.

Submission:

PreventionGenetics, part of Exact Sciences
Classification: Uncertain significance for PCNT-related condition. Last evaluated: 2026-01-04. Review status: criteria provided, single submitter. Criteria: ACMG Guidelines, 2015. Collection method: clinical testing. Allele origin: germline.
Comment: The PCNT c.2045C>T variant is predicted to result in the amino acid substitution p.Ser682Leu. To our knowledge, this variant has not been reported in the literature. This variant is reported in 0.018% of alleles in individuals of African descent in gnomAD. At this time, the clinical significance of this variant is uncertain due to the absence of conclusive functional and genetic evidence.